The following is an entry in ClinVar:

NM_024675.4(PALB2):c.1908G>A (p.Glu636=)

Gene: PALB2 (partner and localizer of BRCA2; minus strand). Cytogenetic location: 16p12.2.
Variant type: single nucleotide variant.
Coding change: c.1908G>A on transcript NM_024675.4 (MANE Select); coding-DNA position 1908, G replaced by A.
Protein change: p.Glu636=; no amino-acid change (glutamic acid 636 retained).
Molecular consequence: synonymous variant.
Genome position (GRCh38, 1-based): chr16:23,630,246, C>T on the plus strand (G>A on the coding strand, the complement: PALB2 is on the minus strand). VCF-style: chr16-23630246-C-T. GRCh37 (hg19) VCF-style: chr16-23641567-C-T.
Identifiers: ClinVar variation 798831 (VCV000798831.16), dbSNP rs1392612467, ClinGen allele CA494461181.

ClinVar aggregate classification (germline): Benign/Likely benign. Review status: criteria provided, multiple submitters, no conflicts (2 of 4 stars). 4 submissions from 4 submitters: Benign (1); Likely benign (3). Last evaluated 2025-01-14.

Conditions:
Hereditary cancer-predisposing syndrome. Also called: Tumor predisposition; Neoplastic Syndromes, Hereditary; Hereditary Cancer Syndrome; Hereditary neoplastic syndrome. Identifiers: Orphanet 140162, MedGen C0027672, MeSH D009386, MONDO:0015356.
Familial cancer of breast. Also called: hereditary breast carcinoma; BREAST CANCER, FAMILIAL; Hereditary breast cancer. Identifiers: Orphanet 227535, MedGen C0346153, MONDO:0016419, OMIM 114480. Disease mechanism: loss of function.

Allele frequency attached by ClinVar (database versions not stated): TOPMed below 0.00001; gnomAD 0.00001.
gnomAD v4.1: 1 of 1,614,038 alleles (0.000062%); no homozygotes.

Submissions (4):

Myriad Genetics, Inc.
Classification: Benign for Familial cancer of breast. Last evaluated: 2025-01-14. Review status: criteria provided, single submitter. Criteria: Myriad Autosomal Dominant, Autosomal Recessive and X-Linked Classification Criteria (2023). Collection method: clinical testing. Allele origin: unknown.
Comment: This variant is considered benign. This variant is a silent/synonymous amino acid change and it is not expected to impact splicing.

Labcorp Genetics (formerly Invitae), Labcorp
Classification: Likely benign for Familial cancer of breast. Last evaluated: 2024-09-01. Review status: criteria provided, single submitter. Criteria: Invitae Variant Classification Sherloc (09022015). Collection method: clinical testing. Allele origin: germline.

Ambry Genetics
Classification: Likely benign for Hereditary cancer-predisposing syndrome. Last evaluated: 2019-04-24. Review status: criteria provided, single submitter. Criteria: Ambry Variant Classification Scheme 2023. Collection method: clinical testing. Allele origin: germline.

Color Diagnostics, LLC DBA Color Health
Classification: Likely benign for Hereditary cancer-predisposing syndrome. Last evaluated: 2019-01-22. Review status: criteria provided, single submitter. Criteria: ACMG Guidelines, 2015. Collection method: clinical testing. Allele origin: germline.